The following is an entry in ClinVar:

ClinVar aggregate classification (germline): Likely pathogenic (1 of 4 stars; one submission).

Conditions:
Autosomal dominant nonsyndromic hearing loss 17. Also called: Deafness, autosomal dominant 17; Autosomal dominant nonsyndromic deafness 17. Identifiers: Orphanet 90635, MedGen C1863659, MONDO:0011350, OMIM 603622.

Allele frequency attached by ClinVar (database versions not stated): gnomAD exomes below 0.00001.
gnomAD v4.1: 4 of 1,614,106 alleles (0.00025%); highest among the groups gnomAD compares: Middle Eastern, 0.016%; no homozygotes.

Submission:

Laboratory of Prof. Karen Avraham, Tel Aviv University
Classification: Likely pathogenic for Autosomal dominant nonsyndromic hearing loss 17. Last evaluated: 2024-05-30. Review status: criteria provided, single submitter. Criteria: ACMG Guidelines, 2015. Collection method: research. Allele origin: germline. Affected: yes. Observed: 1 variant allele.
Comment: Not in gnomAD and deleterious by all (16 out of 16) prediction programs

DFNA17;high-tone normal-severe HL

NM_002473.6(MYH9):c.280G>A (p.Glu94Lys)

Gene: MYH9 (myosin heavy chain 9; minus strand). Cytogenetic location: 22q12.3.
Variant type: single nucleotide variant.
Coding change: c.280G>A on transcript NM_002473.6 (MANE Select); coding-DNA position 280, G replaced by A.
Protein change: p.Glu94Lys; replaces glutamic acid 94 with lysine.
Molecular consequence: missense variant.
Genome position (GRCh38, 1-based): chr22:36,348,957, C>T on the plus strand (G>A on the coding strand, the complement: MYH9 is on the minus strand). VCF-style: chr22-36348957-C-T. GRCh37 (hg19) VCF-style: chr22-36745002-C-T.
Other names: short protein forms E94K.
Identifiers: ClinVar variation 3250388 (VCV003250388.1), dbSNP rs2518022633.